The following is an entry in ClinVar:

NM_001009925.2(TMEM230):c.265del (p.Val89fs)

Gene: TMEM230 (transmembrane protein 230; minus strand). Cytogenetic location: 20p12.3.
Variant type: Deletion.
Coding change: c.265del on transcript NM_001009925.2 (MANE Select); coding-DNA position 265, one base deleted (G; older notation c.265delG).
Protein change: p.Val89fs; shifts the reading frame from valine 89.
Molecular consequence: frameshift variant. On other transcripts: intron variant (1).
Genome position (GRCh38, 1-based): chr20:5,100,889, C deleted on the plus strand (G on the coding strand, the reverse complement: TMEM230 is on the minus strand); the first of 2 consecutive C bases (chr20:5,100,889-5,100,890); deleting either gives the same sequence. VCF-style (leftmost placement, unchanged base first): chr20-5100888-AC-A. GRCh37 (hg19) VCF-style: chr20-5081534-AC-A.
Other names: c.265del, p.Val89fs (NM_001009924.2, NM_001330984.2, NM_001330985.2 and 3 more transcripts); c.222+5299del (NM_001330987.2); short protein forms V89fs.
Identifiers: ClinVar variation 4724417 (VCV004724417.1).

ClinVar aggregate classification (germline): Uncertain significance (1 of 4 stars; one submission).

Submission:

Labcorp Genetics (formerly Invitae), Labcorp
Classification: Uncertain significance. Last evaluated: 2025-07-30. Review status: criteria provided, single submitter. Criteria: Invitae Variant Classification Sherloc (09022015). Collection method: clinical testing. Allele origin: germline.
Comment: This sequence change is expected to alter the c-terminus of the TMEM230 protein (p.Val152Cysfs*58). While this is not anticipated to result in nonsense mediated decay, it is expected to disrupt the last 32 amino acid(s) of the TMEM230 protein and extend the protein by 25 additional amino acid residues. This variant is not present in population databases (gnomAD no frequency). This variant has not been reported in the literature in individuals affected with TMEM230-related conditions. In summary, the available evidence is currently insufficient to determine the role of this variant in disease. Therefore, it has been classified as a Variant of Uncertain Significance.